The following is an entry in ClinVar:

ClinVar aggregate classification (germline): Uncertain significance (1 of 4 stars; one submission).

Conditions:
Cystic fibrosis (CF). Also called: MUCOVISCIDOSIS. Identifiers: Orphanet 586, MedGen C0010674, MONDO:0009061, OMIM 219700. Disease mechanism: loss of function.

gnomAD v4.1: 1 of 1,614,116 alleles (0.000062%); highest among the groups gnomAD compares: Admixed American, 0.0017%; no homozygotes.

Submission:

Ambry Genetics
Classification: Uncertain significance for Cystic fibrosis. Last evaluated: 2022-09-09. Review status: criteria provided, single submitter. Criteria: Ambry Variant Classification Scheme 2023. Collection method: clinical testing. Allele origin: germline.
Comment: The p.V317G variant (also known as c.950T>G), located in coding exon 8 of the CFTR gene, results from a T to G substitution at nucleotide position 950. The valine at codon 317 is replaced by glycine, an amino acid with dissimilar properties. This amino acid position is highly conserved in available vertebrate species. In addition, this alteration is predicted to be deleterious by in silico analysis. Since supporting evidence is limited at this time, the clinical significance of this alteration remains unclear.

NM_000492.4(CFTR):c.950T>G (p.Val317Gly)

Gene: CFTR (CF transmembrane conductance regulator; plus strand). Cytogenetic location: 7q31.2.
Variant type: single nucleotide variant.
Coding change: c.950T>G on transcript NM_000492.4 (MANE Select); coding-DNA position 950, T replaced by G.
Protein change: p.Val317Gly; replaces valine 317 with glycine.
Molecular consequence: missense variant.
Genome position (GRCh38, 1-based): chr7:117,540,180, T>G. VCF-style: chr7-117540180-T-G. GRCh37 (hg19) VCF-style: chr7-117180234-T-G.
Other names: short protein forms V317G.
Identifiers: ClinVar variation 1767226 (VCV001767226.2), dbSNP rs1204521684, ClinGen allele CA368978446.